The following is an entry in ClinVar:

NM_000719.7(CACNA1C):c.6241A>G (p.Ile2081Val)

Genes: CACNA1C (calcium voltage-gated channel subunit alpha1 C; plus strand), CACNA1C-AS1 (CACNA1C antisense RNA 1; minus strand). Cytogenetic location: 12p13.33.
Variant type: single nucleotide variant.
Coding change: c.6241A>G on transcript NM_000719.7 (MANE Select); coding-DNA position 6241, A replaced by G.
Protein change: p.Ile2081Val; replaces isoleucine 2081 with valine.
Molecular consequence: missense variant.
Genome position (GRCh38, 1-based): chr12:2,691,023, A>G. VCF-style: chr12-2691023-A-G. GRCh37 (hg19) VCF-style: chr12-2800189-A-G.
Other names: c.6385A>G, p.Ile2129Val (NM_001129827.2); c.6364A>G, p.Ile2122Val (NM_001129829.2); c.6346A>G, p.Ile2116Val (NM_001129830.3, NM_001167624.3); c.6325A>G, p.Ile2109Val (NM_001129831.2); c.6301A>G, p.Ile2101Val (NM_001129832.2); c.6298A>G, p.Ile2100Val (NM_001129833.2, NM_001129834.2, NM_001129835.2); c.6292A>G, p.Ile2098Val (NM_001129836.2); c.6265A>G, p.Ile2089Val (NM_001129837.2, NM_001129838.2); and 6 more; short protein forms I2070V, I2078V, I2081V, I2087V, I2089V, I2098V, I2100V, I2101V.
Identifiers: ClinVar variation 4801137 (VCV004801137.1).

ClinVar aggregate classification (germline): Uncertain significance (1 of 4 stars; one submission).

Conditions:
Long QT syndrome (LQTS). Identifiers: MedGen C0023976, MeSH D008133, MONDO:0002442. Disease mechanism: loss of function. Inheritance: Various modes of inheritance.

Submission:

Labcorp Genetics (formerly Invitae), Labcorp
Classification: Uncertain significance for Long QT syndrome. Last evaluated: 2025-12-26. Review status: criteria provided, single submitter. Criteria: Invitae Variant Classification Sherloc (09022015). Collection method: clinical testing. Allele origin: germline.
Comment: This sequence change replaces isoleucine, which is neutral and non-polar, with valine, which is neutral and non-polar, at codon 2081 of the CACNA1C protein (p.Ile2081Val). This variant is not present in population databases (gnomAD no frequency). This variant has not been reported in the literature in individuals affected with CACNA1C-related conditions. Invitae Evidence Modeling of protein sequence and biophysical properties (such as structural, functional, and spatial information, amino acid conservation, physicochemical variation, residue mobility, and thermodynamic stability) indicates that this missense variant is not expected to disrupt CACNA1C protein function with a negative predictive value of 95%. In summary, the available evidence is currently insufficient to determine the role of this variant in disease. Therefore, it has been classified as a Variant of Uncertain Significance.